The following is an entry in ClinVar:

NM_001379286.1(ZNF423):c.3100A>T (p.Met1034Leu)

Gene: ZNF423 (zinc finger protein 423; minus strand). Cytogenetic location: 16q12.1.
Variant type: single nucleotide variant.
Coding change: c.3100A>T on transcript NM_001379286.1 (MANE Select); coding-DNA position 3100, A replaced by T.
Protein change: p.Met1034Leu; replaces methionine 1034 with leucine.
Molecular consequence: missense variant.
Genome position (GRCh38, 1-based): chr16:49,636,076, T>A on the plus strand (A>T on the coding strand, the complement: ZNF423 is on the minus strand). VCF-style: chr16-49636076-T-A. GRCh37 (hg19) VCF-style: chr16-49669987-T-A.
Other names: c.2896A>T, p.Met966Leu (NM_001271620.2); c.2725A>T, p.Met909Leu (NM_001330533.2); c.3076A>T, p.Met1026Leu (NM_015069.5); short protein forms M1026L, M966L, M1034L, M909L.
Identifiers: ClinVar variation 2045340 (VCV002045340.4), dbSNP rs1972687552, ClinGen allele CA395840674.

ClinVar aggregate classification (germline): Uncertain significance (1 of 4 stars; one submission).

Conditions:
Nephronophthisis 14 (NPHP14). Identifiers: Orphanet 2318, MedGen C3539071, MONDO:0013916, OMIM 614844.

Allele frequency attached by ClinVar (database versions not stated): TOPMed below 0.00001; gnomAD exomes 0.00001.

Submission:

Labcorp Genetics (formerly Invitae), Labcorp
Classification: Uncertain significance for Nephronophthisis 14. Last evaluated: 2021-12-20. Review status: criteria provided, single submitter. Criteria: Invitae Variant Classification Sherloc (09022015). Collection method: clinical testing. Allele origin: germline.
Comment: This variant has not been reported in the literature in individuals affected with ZNF423-related conditions. In summary, the available evidence is currently insufficient to determine the role of this variant in disease. Therefore, it has been classified as a Variant of Uncertain Significance. Algorithms developed to predict the effect of missense changes on protein structure and function (SIFT, PolyPhen-2, Align-GVGD) all suggest that this variant is likely to be tolerated. This variant is not present in population databases (gnomAD no frequency). This sequence change replaces methionine, which is neutral and non-polar, with leucine, which is neutral and non-polar, at codon 1026 of the ZNF423 protein (p.Met1026Leu).